The following is an entry in ClinVar:

NM_053025.4(MYLK):c.4064C>T (p.Ser1355Phe)

Gene: MYLK (myosin light chain kinase; minus strand). Cytogenetic location: 3q21.1.
Variant type: single nucleotide variant.
Coding change: c.4064C>T on transcript NM_053025.4 (MANE Select); coding-DNA position 4064, C replaced by T.
Protein change: p.Ser1355Phe; replaces serine 1355 with phenylalanine.
Molecular consequence: missense variant.
Genome position (GRCh38, 1-based): chr3:123,657,350, G>A on the plus strand (C>T on the coding strand, the complement: MYLK is on the minus strand). VCF-style: chr3-123657350-G-A. GRCh37 (hg19) VCF-style: chr3-123376197-G-A.
Other names: c.4064C>T (NM_053025.3); c.3536C>T, p.Ser1179Phe (NM_001321309.2); c.3857C>T, p.Ser1286Phe (NM_053026.4, NM_053028.4); c.4064C>T, p.Ser1355Phe (NM_053027.4); short protein forms S1179F, S1286F, S1355F.
Identifiers: ClinVar variation 2838091 (VCV002838091.4), dbSNP rs1380606226, ClinGen allele CA354228214.

ClinVar aggregate classification (germline): Uncertain significance. Review status: criteria provided, multiple submitters, no conflicts (2 of 4 stars). 2 submissions from 2 submitters: Uncertain significance (2). Last evaluated 2024-12-14.

Conditions:
Aortic aneurysm, familial thoracic 7 (AAT7). Also called: AORTIC DISSECTION, FAMILIAL, WITH OR WITHOUT AORTIC ANEURYSM. Identifiers: MedGen C3151077, MONDO:0013418, OMIM 613780.
Familial thoracic aortic aneurysm and aortic dissection (TAAD). Also called: Thoracic aortic aneurysms and dissections. Identifiers: Orphanet 91387, MedGen C4707243, MONDO:0019625.

Allele frequency attached by ClinVar (database versions not stated): TOPMed below 0.00001; gnomAD 0.00001.
gnomAD v4.1: 3 of 1,614,060 alleles (0.00019%); highest among the groups gnomAD compares: Non-Finnish European, 0.00025%; no homozygotes.

Submissions (2):

Ambry Genetics
Classification: Uncertain significance for Familial thoracic aortic aneurysm and aortic dissection. Last evaluated: 2024-12-14. Review status: criteria provided, single submitter. Criteria: Ambry Variant Classification Scheme 2023. Collection method: clinical testing. Allele origin: germline.
Comment: The p.S1355F variant (also known as c.4064C>T), located in coding exon 21 of the MYLK gene, results from a C to T substitution at nucleotide position 4064. The serine at codon 1355 is replaced by phenylalanine, an amino acid with highly dissimilar properties. This amino acid position is conserved. In addition, the in silico prediction for this alteration is inconclusive. Based on the available evidence, the clinical significance of this variant remains unclear.

Labcorp Genetics (formerly Invitae), Labcorp
Classification: Uncertain significance for Aortic aneurysm, familial thoracic 7. Last evaluated: 2023-02-21. Review status: criteria provided, single submitter. Criteria: Invitae Variant Classification Sherloc (09022015). Collection method: clinical testing. Allele origin: germline.
Comment: This variant has not been reported in the literature in individuals affected with MYLK-related conditions. This variant is not present in population databases (gnomAD no frequency). This sequence change replaces serine, which is neutral and polar, with phenylalanine, which is neutral and non-polar, at codon 1355 of the MYLK protein (p.Ser1355Phe). In summary, the available evidence is currently insufficient to determine the role of this variant in disease. Therefore, it has been classified as a Variant of Uncertain Significance. Advanced modeling of protein sequence and biophysical properties (such as structural, functional, and spatial information, amino acid conservation, physicochemical variation, residue mobility, and thermodynamic stability) performed at Invitae indicates that this missense variant is not expected to disrupt MYLK protein function.